The following is an entry in ClinVar:

ClinVar aggregate classification (germline): Likely benign (1 of 4 stars; one submission).

Allele frequency attached by ClinVar (database versions not stated): gnomAD 0.00007; ExAC 0.00008; gnomAD exomes 0.00008; TOPMed 0.00008.
gnomAD v4.1: 123 of 1,609,672 alleles (0.0076%); highest among the groups gnomAD compares: Middle Eastern, 0.049%; no homozygotes.

Submission:

CeGaT Center for Human Genetics Tuebingen
Classification: Likely benign. Last evaluated: 2024-02-01. Review status: criteria provided, single submitter. Criteria: CeGaT Center For Human Genetics Tuebingen Variant Classification Criteria Version 2. Collection method: clinical testing. Allele origin: germline. Affected: yes. Observed: 1 variant allele.
Comment: TNK2: BP4, BP7

NM_001382273.1(TNK2):c.2136G>A (p.Pro712=)

Gene: TNK2 (tyrosine kinase non receptor 2; minus strand). Cytogenetic location: 3q29.
Variant type: single nucleotide variant.
Coding change: c.2136G>A on transcript NM_001382273.1 (MANE Select); coding-DNA position 2136, G replaced by A.
Protein change: p.Pro712=; no amino-acid change (proline 712 retained).
Molecular consequence: synonymous variant. On other transcripts: non-coding transcript variant (15).
Genome position (GRCh38, 1-based): chr3:195,868,162, C>T on the plus strand (G>A on the coding strand, the complement: TNK2 is on the minus strand). VCF-style: chr3-195868162-C-T. GRCh37 (hg19) VCF-style: chr3-195595033-C-T.
Other names: c.2208G>A, p.Pro736= (NM_001010938.2, NM_001382272.1); c.2187G>A, p.Pro729= (NM_001308046.2, NM_001382271.1); c.2136G>A, p.Pro712= (NM_001382274.1, NM_001387716.1, NM_001387717.1 and 1 more transcripts); c.2232G>A, p.Pro744= (NM_001382275.1, NM_001387707.1); c.2091G>A, p.Pro697= (NM_001386164.1, NM_001387709.1, NM_001387710.1 and 8 more transcripts); c.2163G>A, p.Pro721= (NM_001387708.1, NM_001387715.1).
Identifiers: ClinVar variation 3025409 (VCV003025409.22), dbSNP rs768623108, ClinGen allele CA2776058.